The following is an entry in ClinVar:

NM_001458.5(FLNC):c.1471G>C (p.Val491Leu)

Gene: FLNC (filamin C; plus strand). Cytogenetic location: 7q32.1.
Variant type: single nucleotide variant.
Coding change: c.1471G>C on transcript NM_001458.5 (MANE Select); coding-DNA position 1471, G replaced by C.
Protein change: p.Val491Leu; replaces valine 491 with leucine.
Molecular consequence: missense variant.
Genome position (GRCh38, 1-based): chr7:128,840,082, G>C. VCF-style: chr7-128840082-G-C. GRCh37 (hg19) VCF-style: chr7-128480136-G-C.
Other names: c.1471G>C, p.Val491Leu (NM_001127487.2); short protein forms V491L.
Identifiers: ClinVar variation 228688 (VCV000228688.9), dbSNP rs770264114, ClinGen allele CA10576718.
Genomic context (GRCh38, chr7:128,840,082, plus strand): 5'-GCCTGTAACCCCAACGCCTGCCGCGCCTCTGGGCGAGGCCTGCAGCCCAAGGGTGTTCGC[G>C]TGAAAGAGGTGGCTGACTTCAAGGTGTTTACCAAGGGTGCCGGCAGCGGGGAGCTCAAGG-3'
Protein context (NP_001449.3, residues 481-501): GRGLQPKGVR[Val491Leu]KEVADFKVFT

ClinVar aggregate classification (germline): Uncertain significance. Review status: criteria provided, multiple submitters, no conflicts (2 of 4 stars). 4 submissions from 4 submitters: Uncertain significance (4). Last evaluated 2024-11-22.

Conditions:
Myofibrillar myopathy 5. Also called: Filaminopathy (type); FILAMINOPATHY, AUTOSOMAL DOMINANT. Identifiers: Orphanet 171445, MedGen C1836050, MONDO:0012289, OMIM 609524.
Hypertrophic cardiomyopathy 26. Also called: Cardiomyopathy, familial hypertrophic, 26. Identifiers: Orphanet 75249, MedGen C4310749, MONDO:0014883, OMIM 617047.
Distal myopathy with posterior leg and anterior hand involvement. Also called: WILLIAMS DISTAL MYOPATHY. Identifiers: Orphanet 63273, MedGen C3279722, MONDO:0013550, OMIM 614065.
Cardiovascular phenotype. Identifiers: MedGen CN230736.

gnomAD v4.1: 14 of 1,614,140 alleles (0.00087%); highest among the groups gnomAD compares: Middle Eastern, 0.13%; no homozygotes.

Submissions (4):

Blueprint Genetics
Classification: Uncertain significance. Last evaluated: 2024-11-22. Review status: criteria provided, single submitter. Criteria: ACMG Guidelines, 2015. Collection method: clinical testing. Allele origin: germline.

Labcorp Genetics (formerly Invitae), Labcorp
Classification: Uncertain significance for Distal myopathy with posterior leg and anterior hand involvement; Myofibrillar myopathy 5; Hypertrophic cardiomyopathy 26. Last evaluated: 2024-07-06. Review status: criteria provided, single submitter. Criteria: Invitae Variant Classification Sherloc (09022015). Collection method: clinical testing. Allele origin: germline.
Comment: This sequence change replaces valine, which is neutral and non-polar, with leucine, which is neutral and non-polar, at codon 491 of the FLNC protein (p.Val491Leu). This variant is not present in population databases (gnomAD no frequency). This variant has not been reported in the literature in individuals affected with FLNC-related conditions. ClinVar contains an entry for this variant (Variation ID: 228688). Advanced modeling of protein sequence and biophysical properties (such as structural, functional, and spatial information, amino acid conservation, physicochemical variation, residue mobility, and thermodynamic stability) has been performed at Invitae for this missense variant, however the output from this modeling did not meet the statistical confidence thresholds required to predict the impact of this variant on FLNC protein function. In summary, the available evidence is currently insufficient to determine the role of this variant in disease. Therefore, it has been classified as a Variant of Uncertain Significance.

Ambry Genetics
Classification: Uncertain significance for Cardiovascular phenotype. Last evaluated: 2022-12-05. Review status: criteria provided, single submitter. Criteria: Ambry Variant Classification Scheme 2023. Collection method: clinical testing. Allele origin: germline.
Comment: The p.V491L variant (also known as c.1471G>C), located in coding exon 9 of the FLNC gene, results from a G to C substitution at nucleotide position 1471. The valine at codon 491 is replaced by leucine, an amino acid with highly similar properties. This amino acid position is well conserved in available vertebrate species. In addition, the in silico prediction for this alteration is inconclusive. Since supporting evidence is limited at this time, the clinical significance of this alteration remains unclear.

Laboratory for Molecular Medicine, Mass General Brigham Personalized Medicine
Classification: Uncertain significance. Last evaluated: 2016-03-03. Review status: criteria provided, single submitter. Criteria: LMM Criteria. Collection method: clinical testing. Allele origin: germline. Observed: 1 variant allele.
Comment: The p.Val491Leu variant in FLNC has not been previously reported in individuals with myopathy or in large population studies. Computational prediction tools and conservation analysis do not provide strong support for or against an impact to the protein. In summary, the clinical significance of the p.Val491Leu variant is uncertain.